The following is an entry in ClinVar:

ClinVar aggregate classification (germline): Pathogenic (1 of 4 stars; one submission).

Conditions:
Cardiovascular phenotype. Identifiers: MedGen CN230736.
Hereditary cancer-predisposing syndrome. Also called: Neoplastic Syndromes, Hereditary; Tumor predisposition; Hereditary Cancer Syndrome; Hereditary neoplastic syndrome. Identifiers: Orphanet 140162, MedGen C0027672, MeSH D009386, MONDO:0015356.

Submission:

Ambry Genetics
Classification: Pathogenic for Cardiovascular phenotype; Hereditary cancer-predisposing syndrome. Last evaluated: 2026-04-24. Review status: criteria provided, single submitter. Criteria: Ambry Variant Classification Scheme 2023. Collection method: clinical testing. Allele origin: germline.
Comment: The c.6560delC pathogenic mutation, located in coding exon 42 of the NF1 gene, results from a deletion of one nucleotide at nucleotide position 6560, causing a translational frameshift with a predicted alternate stop codon (p.A2187Vfs*10). This variant is considered to be rare based on population cohorts in the Genome Aggregation Database (gnomAD). This alteration is expected to result in loss of function by premature protein truncation or nonsense-mediated mRNA decay. As such, this alteration is interpreted as a disease-causing mutation.

NM_001042492.3(NF1):c.6623del (p.Ala2208fs)

Gene: NF1 (neurofibromin 1; plus strand). Cytogenetic location: 17q11.2.
Variant type: Deletion.
Coding change: c.6623del on transcript NM_001042492.3 (MANE Select); coding-DNA position 6623, one base deleted (C; older notation c.6623delC).
Protein change: p.Ala2208fs; shifts the reading frame from alanine 2208.
Molecular consequence: frameshift variant.
Genome position (GRCh38, 1-based): chr17:31,337,563, C deleted. VCF-style (leftmost placement, unchanged base first): chr17-31337562-GC-G. GRCh37 (hg19) VCF-style: chr17-29664580-GC-G.
Other names: c.6560del, p.Ala2187fs (NM_000267.4); short protein forms A2187fs, A2208fs.
Identifiers: ClinVar variation 4860939 (VCV004860939.1).